The following is an entry in ClinVar:

ClinVar aggregate classification (germline): Uncertain significance (1 of 4 stars; one submission).

Conditions:
Amyotrophic lateral sclerosis type 1 (ALS1). Also called: AMYOTROPHIC LATERAL SCLEROSIS 1, FAMILIAL. Identifiers: Orphanet 803, MedGen C1862939, MONDO:0007103, OMIM 105400.
Neuronopathy, distal hereditary motor, type 7B. Also called: HMN VIIB; LOWER MOTOR NEURON DISEASE, DYNACTIN TYPE; Distal Hereditary Motor Neuronopathy Type 7B (dHMN7B); NEURONOPATHY, DISTAL HEREDITARY MOTOR, AUTOSOMAL DOMINANT 14; NEURONOPATHY, DISTAL HEREDITARY MOTOR, HARDING TYPE VIIB; NEUROPATHY, DISTAL HEREDITARY MOTOR, HARDING TYPE VIIB. Identifiers: Orphanet 139589, MedGen C1843315, MONDO:0011879, OMIM 607641.
Perry syndrome. Also called: PARKINSONISM WITH ALVEOLAR HYPOVENTILATION AND MENTAL DEPRESSION. Identifiers: Orphanet 178509, MedGen C1868594, MONDO:0008201, OMIM 168605.

Allele frequency attached by ClinVar (database versions not stated): gnomAD 0.00001; TOPMed 0.00001.
gnomAD v4.1: 1 of 1,613,982 alleles (0.000062%); highest among the groups gnomAD compares: Non-Finnish European, 0.000085%; no homozygotes.

Submission:

Labcorp Genetics (formerly Invitae), Labcorp
Classification: Uncertain significance for Amyotrophic lateral sclerosis type 1; Neuronopathy, distal hereditary motor, type 7B; Perry syndrome. Last evaluated: 2024-03-26. Review status: criteria provided, single submitter. Criteria: Invitae Variant Classification Sherloc (09022015). Collection method: clinical testing. Allele origin: germline.
Comment: This sequence change falls in intron 12 of the DCTN1 gene. It does not directly change the encoded amino acid sequence of the DCTN1 protein. This variant is present in population databases (no rsID available, gnomAD 0.007%). This variant has not been reported in the literature in individuals affected with DCTN1-related conditions. ClinVar contains an entry for this variant (Variation ID: 536164). Algorithms developed to predict the effect of sequence changes on RNA splicing suggest that this variant may disrupt the consensus splice site. In summary, the available evidence is currently insufficient to determine the role of this variant in disease. Therefore, it has been classified as a Variant of Uncertain Significance.

NM_004082.5(DCTN1):c.1288-6A>G

Gene: DCTN1 (dynactin subunit 1; minus strand). Cytogenetic location: 2p13.1.
Variant type: single nucleotide variant.
Coding change: c.1288-6A>G on transcript NM_004082.5 (MANE Select); 6 bases into the intron before coding-DNA position 1288, A replaced by G.
Molecular consequence: intron variant.
Genome position (GRCh38, 1-based): chr2:74,370,075, T>C on the plus strand (A>G on the coding strand, the complement: DCTN1 is on the minus strand). VCF-style: chr2-74370075-T-C. GRCh37 (hg19) VCF-style: chr2-74597202-T-C.
Other names: c.1177-6A>G (NM_001190836.2); c.1219-6A>G (NM_001378992.1); c.1237-6A>G (NM_001378991.1); c.1228-6A>G (NM_001135040.3); c.1267-6A>G (NM_001190837.2); c.886-6A>G (NM_001135041.3, NM_023019.4).
Identifiers: ClinVar variation 536164 (VCV000536164.9), dbSNP rs1236101222, ClinGen allele CA534126899.